The following is an entry in ClinVar:

ClinVar aggregate classification (germline): Uncertain significance. Review status: criteria provided, multiple submitters, no conflicts (2 of 4 stars). 3 submissions from 3 submitters: Uncertain significance (3). Last evaluated 2022-09-07.

Conditions:
Inborn genetic diseases. Identifiers: MedGen C0950123, MeSH D030342.

Allele frequency attached by ClinVar (database versions not stated): ESP Exome Variant Server 0.00031.
gnomAD v4.1: 468 of 1,613,544 alleles (0.029%); highest among the groups gnomAD compares: Admixed American, 0.053%; no homozygotes.

Submissions (5):

Labcorp Genetics (formerly Invitae), Labcorp
Classification: Uncertain significance. Last evaluated: 2022-09-07. Review status: criteria provided, single submitter. Criteria: Invitae Variant Classification Sherloc (09022015). Collection method: clinical testing. Allele origin: germline.
Comment: This sequence change replaces alanine with valine at codon 412 of the TIMM50 protein (p.Ala412Val). The alanine residue is weakly conserved and there is a small physicochemical difference between alanine and valine. This variant is present in population databases (rs11545196, gnomAD 0.06%). This variant has not been reported in the literature in individuals affected with TIMM50-related conditions. ClinVar contains an entry for this variant (Variation ID: 1433698). Algorithms developed to predict the effect of missense changes on protein structure and function are either unavailable or do not agree on the potential impact of this missense change (SIFT: "Not Available"; PolyPhen-2: "Benign"; Align-GVGD: "Not Available"). In summary, the available evidence is currently insufficient to determine the role of this variant in disease. Therefore, it has been classified as a Variant of Uncertain Significance.

GeneDx
Classification: Uncertain significance. Last evaluated: 2022-01-12. Review status: criteria provided, single submitter. Criteria: GeneDx Variant Classification Process June 2021. Collection method: clinical testing. Allele origin: germline. Affected: yes.
Comment: In silico analysis supports that this missense variant does not alter protein structure/function; Has not been previously published as pathogenic or benign to our knowledge

Ambry Genetics
Classification: Uncertain significance for Inborn genetic diseases. Last evaluated: 2021-10-14. Review status: criteria provided, single submitter. Criteria: Ambry Variant Classification Scheme 2023. Collection method: clinical testing. Allele origin: germline.

Dr. Peter K. Rogan Lab, Western University
No classification provided (evidence only). Condition: Cervical cancer. Review status: no classification provided. Collection method: in vitro. Allele origin: not applicable. Functional consequence: skipped exon, retained intron. Not counted in ClinVar's aggregate classification.

Dr. Peter K. Rogan Lab, Western University
No classification provided (evidence only). Condition: Thymoma. Review status: no classification provided. Collection method: in vitro. Allele origin: not applicable. Functional consequence: retained intron. Not counted in ClinVar's aggregate classification.

NM_001001563.5(TIMM50):c.926C>T (p.Ala309Val)

Gene: TIMM50 (translocase of inner mitochondrial membrane 50; plus strand). Cytogenetic location: 19q13.2.
Variant type: single nucleotide variant.
Coding change: c.926C>T on transcript NM_001001563.5 (MANE Select); coding-DNA position 926, C replaced by T.
Protein change: p.Ala309Val; replaces alanine 309 with valine.
Molecular consequence: missense variant.
Genome position (GRCh38, 1-based): chr19:39,488,611, C>T. VCF-style: chr19-39488611-C-T. GRCh37 (hg19) VCF-style: chr19-39979251-C-T.
Other names: c.1235C>T (NM_001001563.1); c.587C>T, p.Ala196Val (NM_001329559.2); short protein forms A196V, A309V.
Identifiers: ClinVar variation 1433698 (VCV001433698.6), dbSNP rs11545196, ClinGen allele CA9432014.
Genomic context (GRCh38, chr19:39,488,611, plus strand): 5'-ATGGTGTGGAGGACGTGCGAACCGTGCTGGAGCACTATGCCCTGGAGGATGACCCGCTGG[C>T]GGCTTTCAAACAGCGGCAAAGCCGGCTAGAGCAGGTTGGTGCTCAGATGCCCAGAGTGGA-3'
Protein context (NP_001001563.2, residues 299-319): EHYALEDDPL[Ala309Val]AFKQRQSRLE